The following is an entry in ClinVar:

ClinVar aggregate classification (germline): Uncertain significance. Review status: criteria provided, single submitter (1 of 4 stars). 3 submissions from 2 submitters: Uncertain significance (2). 1 of the submissions does not count toward it. Last evaluated 2021-07-22.

Conditions:
Cystic fibrosis (CF). Also called: MUCOVISCIDOSIS. Identifiers: Orphanet 586, MedGen C0010674, MONDO:0009061, OMIM 219700. Disease mechanism: loss of function.
CFTR-related disorder (CFTR-RD). Also called: CFTR-related condition; CFTR-related disorders. Identifiers: MedGen C5924204, MONDO:7770004.
Congenital bilateral aplasia of vas deferens from CFTR mutation (CBAVD). Identifiers: Orphanet 48, MedGen C0403814, MONDO:0010178, OMIM 277180. Disease mechanism: loss of function.

Allele frequency attached by ClinVar (database versions not stated): gnomAD 0.00001.
gnomAD v4.1: 1 of 1,613,634 alleles (0.000062%); highest among the groups gnomAD compares: African/African-American, 0.0013%; no homozygotes.

Submissions (3):

Genome-Nilou Lab
Classification: Uncertain significance for Cystic fibrosis. Last evaluated: 2021-07-22. Review status: criteria provided, single submitter. Criteria: ACMG Guidelines, 2015. Collection method: clinical testing. Allele origin: germline. Affected: no.

Genome-Nilou Lab
Classification: Uncertain significance for Congenital bilateral aplasia of vas deferens from CFTR mutation. Last evaluated: 2021-07-22. Review status: criteria provided, single submitter. Criteria: ACMG Guidelines, 2015. Collection method: clinical testing. Allele origin: germline. Affected: no.

PreventionGenetics, part of Exact Sciences
Classification: Uncertain significance for CFTR-related condition. Last evaluated: 2024-04-11. Review status: no assertion criteria provided. Collection method: clinical testing. Allele origin: germline. Not counted in ClinVar's aggregate classification.
Comment: The CFTR c.436C>T variant is predicted to result in the amino acid substitution p.His146Tyr. To our knowledge, this variant has not been reported in the literature or in a large population database, indicating this variant is rare. At this time, the clinical significance of this variant is uncertain due to the absence of conclusive functional and genetic evidence.

NM_000492.4(CFTR):c.436C>T (p.His146Tyr)

Gene: CFTR (CF transmembrane conductance regulator; plus strand). Cytogenetic location: 7q31.2.
Variant type: single nucleotide variant.
Coding change: c.436C>T on transcript NM_000492.4 (MANE Select); coding-DNA position 436, C replaced by T.
Protein change: p.His146Tyr; replaces histidine 146 with tyrosine.
Molecular consequence: missense variant.
Genome position (GRCh38, 1-based): chr7:117,531,061, C>T. VCF-style: chr7-117531061-C-T. GRCh37 (hg19) VCF-style: chr7-117171115-C-T.
Other names: c.436C>T (NM_000492.3); short protein forms H146Y.
Identifiers: ClinVar variation 1210375 (VCV001210375.5), dbSNP rs1798856136, ClinGen allele CA368974829.